The following is an entry in ClinVar:

ClinVar aggregate classification (germline): Likely benign (1 of 4 stars; one submission).

Allele frequency attached by ClinVar (database versions not stated): 1000 Genomes Project 30x 0.00250; 1000 Genomes Project 0.00260; TOPMed 0.00393; ESP Exome Variant Server 0.00417; gnomAD 0.00435; gnomAD exomes 0.00615; ExAC 0.00942.
gnomAD v4.1: 9,336 of 1,583,230 alleles (0.59%); highest among the groups gnomAD compares: Non-Finnish European, 0.72%; 41 homozygotes.

Submission:

CeGaT Center for Human Genetics Tuebingen
Classification: Likely benign. Last evaluated: 2023-01-01. Review status: criteria provided, single submitter. Criteria: CeGaT Center For Human Genetics Tuebingen Variant Classification Criteria Version 2. Collection method: clinical testing. Allele origin: germline. Affected: yes. Observed: 1 variant allele.
Comment: CROCC: BP4, BP7, BS2

NM_014675.5(CROCC):c.5496C>T (p.Thr1832=)

Gene: CROCC (ciliary rootlet coiled-coil, rootletin; plus strand). Cytogenetic location: 1p36.13.
Variant type: single nucleotide variant.
Coding change: c.5496C>T on transcript NM_014675.5 (MANE Select); coding-DNA position 5496, C replaced by T.
Protein change: p.Thr1832=; no amino-acid change (threonine 1832 retained).
Molecular consequence: synonymous variant.
Genome position (GRCh38, 1-based): chr1:16,970,297, C>T. VCF-style: chr1-16970297-C-T. GRCh37 (hg19) VCF-style: chr1-17296792-C-T.
Identifiers: ClinVar variation 2638384 (VCV002638384.24), dbSNP rs145211796, ClinGen allele CA635973.